The following is an entry in ClinVar:

ClinVar aggregate classification (germline): Uncertain significance (1 of 4 stars; one submission).

Conditions:
Cardiovascular phenotype. Identifiers: MedGen CN230736.

Allele frequency attached by ClinVar (database versions not stated): gnomAD exomes below 0.00001.
gnomAD v4.1: 1 of 1,613,696 alleles (0.000062%); highest among the groups gnomAD compares: Non-Finnish European, 0.000085%; no homozygotes.

Submission:

Ambry Genetics
Classification: Uncertain significance for Cardiovascular phenotype. Last evaluated: 2015-08-25. Review status: criteria provided, single submitter. Criteria: Ambry Variant Classification Scheme 2023. Collection method: clinical testing. Allele origin: germline.
Comment: The p.L24076F variant (also known as c.72226C>T), located in coding exon 182 of the TTN gene, results from a C to T substitution at nucleotide position 72226. The leucine at codon 24076 is replaced by phenylalanine, an amino acid with highly similar properties. This variant was not reported in population based cohorts in the following databases: Database of Single Nucleotide Polymorphisms (dbSNP), NHLBI Exome Sequencing Project (ESP), and 1000 Genomes Project. In the ESP, this variant was not observed in 6030 samples (12060 alleles) with coverage at this position. This amino acid position is highly conserved in available vertebrate species. In addition, this alteration is predicted to be tolerated by in silico analysis. Since supporting evidence is limited at this time, the clinical significance of this variant remains unclear.

NM_001267550.2(TTN):c.99421C>T (p.Leu33141Phe)

Genes: TTN (titin; minus strand), TTN-AS1 (TTN antisense RNA 1; plus strand). Cytogenetic location: 2q31.2.
Variant type: single nucleotide variant.
Coding change: c.99421C>T on transcript NM_001267550.2 (MANE Select); coding-DNA position 99421, C replaced by T.
Protein change: p.Leu33141Phe; replaces leucine 33141 with phenylalanine.
Molecular consequence: missense variant.
Genome position (GRCh38, 1-based): chr2:178,537,786, G>A on the plus strand (C>T on the coding strand, the complement: TTN is on the minus strand). VCF-style: chr2-178537786-G-A. GRCh37 (hg19) VCF-style: chr2-179402513-G-A.
Other names: c.94498C>T, p.Leu31500Phe (NM_001256850.1); c.72226C>T, p.Leu24076Phe (NM_003319.4); c.91717C>T, p.Leu30573Phe (NM_133378.4); c.72601C>T, p.Leu24201Phe (NM_133432.3); c.72802C>T, p.Leu24268Phe (NM_133437.4); short protein forms L24076F, L33141F, L24201F, L30573F, L24268F, L31500F.
Identifiers: ClinVar variation 264362 (VCV000264362.5), dbSNP rs886039134, ClinGen allele CA10587447.